The following is an entry in ClinVar:

NM_014140.4(SMARCAL1):c.2225C>T (p.Thr742Met)

Gene: SMARCAL1 (SNF2 related chromatin remodeling annealing helicase 1; plus strand). Cytogenetic location: 2q35.
Variant type: single nucleotide variant.
Coding change: c.2225C>T on transcript NM_014140.4 (MANE Select); coding-DNA position 2225, C replaced by T.
Protein change: p.Thr742Met; replaces threonine 742 with methionine.
Molecular consequence: missense variant.
Genome position (GRCh38, 1-based): chr2:216,468,027, C>T. VCF-style: chr2-216468027-C-T. GRCh37 (hg19) VCF-style: chr2-217332750-C-T.
Other names: c.2225C>T, p.Thr742Met (NM_001127207.2); short protein forms T742M.
Identifiers: ClinVar variation 463147 (VCV000463147.13), dbSNP rs2271336, ClinGen allele CA2098142.

ClinVar aggregate classification (germline): Uncertain significance. Review status: criteria provided, multiple submitters, no conflicts (2 of 4 stars). 5 submissions from 5 submitters: Uncertain significance (4). 1 of the submissions does not count toward it. Last evaluated 2022-10-05.

Conditions:
Kidney disorder. Also called: Nephropathy; Kidney disease; Kidney Diseases; renal disorder; renal disease. Identifiers: MedGen C0022658, MONDO:0005240, HP:0000112.
Schimke immuno-osseous dysplasia (SIOD). Also called: Schimke Immunoosseous Dysplasia. Identifiers: Orphanet 1830, MedGen C0877024, MONDO:0009458, OMIM 242900.

Allele frequency attached by ClinVar (database versions not stated): ESP Exome Variant Server 0.00008; 1000 Genomes Project 30x 0.00016; 1000 Genomes Project 0.00020; TOPMed 0.00025; gnomAD 0.00029.
gnomAD v4.1: 715 of 1,612,200 alleles (0.044%); highest among the groups gnomAD compares: East Asian, 0.096%; 1 homozygote.

Submissions (5):

Labcorp Genetics (formerly Invitae), Labcorp
Classification: Uncertain significance for Schimke immuno-osseous dysplasia. Last evaluated: 2022-10-05. Review status: criteria provided, single submitter. Criteria: Invitae Variant Classification Sherloc (09022015). Collection method: clinical testing. Allele origin: germline.
Comment: This sequence change replaces threonine, which is neutral and polar, with methionine, which is neutral and non-polar, at codon 742 of the SMARCAL1 protein (p.Thr742Met). This variant is present in population databases (rs2271336, gnomAD 0.04%). This variant has not been reported in the literature in individuals affected with SMARCAL1-related conditions. ClinVar contains an entry for this variant (Variation ID: 463147). Advanced modeling of protein sequence and biophysical properties (such as structural, functional, and spatial information, amino acid conservation, physicochemical variation, residue mobility, and thermodynamic stability) performed at Invitae indicates that this missense variant is not expected to disrupt SMARCAL1 protein function. In summary, the available evidence is currently insufficient to determine the role of this variant in disease. Therefore, it has been classified as a Variant of Uncertain Significance.

Fulgent Genetics
Classification: Uncertain significance for Schimke immuno-osseous dysplasia. Last evaluated: 2022-03-29. Review status: criteria provided, single submitter. Criteria: ACMG Guidelines, 2015. Collection method: clinical testing. Allele origin: unknown.

Genome Diagnostics Laboratory, The Hospital for Sick Children
Classification: Uncertain significance for Kidney disorder. Last evaluated: 2019-03-01. Review status: criteria provided, single submitter. Criteria: ACMG Guidelines, 2015. Collection method: clinical testing. Allele origin: germline.

Illumina Laboratory Services, Illumina
Classification: Uncertain significance for Schimke immuno-osseous dysplasia. Last evaluated: 2018-01-13. Review status: criteria provided, single submitter. Criteria: ICSL Variant Classification Criteria 13 December 2019. Collection method: clinical testing. Allele origin: germline.

Natera, Inc.
Classification: Uncertain significance for Schimke immuno-osseous dysplasia. Last evaluated: 2020-09-16. Review status: no assertion criteria provided. Collection method: clinical testing. Allele origin: germline. Not counted in ClinVar's aggregate classification.